The following is an entry in ClinVar:

NM_001009925.2(TMEM230):c.323G>A (p.Arg108His)

Gene: TMEM230 (transmembrane protein 230; minus strand). Cytogenetic location: 20p12.3.
Variant type: single nucleotide variant.
Coding change: c.323G>A on transcript NM_001009925.2 (MANE Select); coding-DNA position 323, G replaced by A.
Protein change: p.Arg108His; replaces arginine 108 with histidine.
Molecular consequence: missense variant. On other transcripts: intron variant (1).
Genome position (GRCh38, 1-based): chr20:5,100,831, C>T on the plus strand (G>A on the coding strand, the complement: TMEM230 is on the minus strand). VCF-style: chr20-5100831-C-T. GRCh37 (hg19) VCF-style: chr20-5081477-C-T.
Other names: NM_001009923.1:c.512G>A; c.323G>A, p.Arg108His (NM_001009924.2, NM_001330984.2, NM_001330985.2 and 3 more transcripts); c.222+5357G>A (NM_001330987.2); short protein forms R108H.
Identifiers: ClinVar variation 2071795 (VCV002071795.5), dbSNP rs11549113, ClinGen allele CA9753359.

ClinVar aggregate classification (germline): Uncertain significance. Review status: criteria provided, multiple submitters, no conflicts (2 of 4 stars). 2 submissions from 2 submitters: Uncertain significance (2). Last evaluated 2024-06-03.

Allele frequency attached by ClinVar (database versions not stated): TOPMed 0.00001; gnomAD exomes 0.00002; ExAC 0.00002; gnomAD 0.00001.
gnomAD v4.1: 28 of 1,613,982 alleles (0.0017%); highest among the groups gnomAD compares: South Asian, 0.012%; no homozygotes.

Submissions (2):

Labcorp Genetics (formerly Invitae), Labcorp
Classification: Uncertain significance. Last evaluated: 2024-06-03. Review status: criteria provided, single submitter. Criteria: Invitae Variant Classification Sherloc (09022015). Collection method: clinical testing. Allele origin: germline.
Comment: This sequence change replaces arginine, which is basic and polar, with histidine, which is basic and polar, at codon 171 of the TMEM230 protein (p.Arg171His). This variant is present in population databases (rs11549113, gnomAD 0.006%). This variant has not been reported in the literature in individuals affected with TMEM230-related conditions. ClinVar contains an entry for this variant (Variation ID: 2071795). An algorithm developed to predict the effect of missense changes on protein structure and function (PolyPhen-2) suggests that this variant is likely to be tolerated. In summary, the available evidence is currently insufficient to determine the role of this variant in disease. Therefore, it has been classified as a Variant of Uncertain Significance.

Ambry Genetics
Classification: Uncertain significance. Last evaluated: 2023-09-25. Review status: criteria provided, single submitter. Criteria: Ambry Variant Classification Scheme 2023. Collection method: clinical testing. Allele origin: germline.